The following is an entry in ClinVar:

NM_025132.4(WDR19):c.3636C>G (p.Ser1212Arg)

Gene: WDR19 (WD repeat domain 19; plus strand). Cytogenetic location: 4p14.
Variant type: single nucleotide variant.
Coding change: c.3636C>G on transcript NM_025132.4 (MANE Select); coding-DNA position 3636, C replaced by G.
Protein change: p.Ser1212Arg; replaces serine 1212 with arginine.
Molecular consequence: missense variant.
Genome position (GRCh38, 1-based): chr4:39,274,878, C>G. VCF-style: chr4-39274878-C-G. GRCh37 (hg19) VCF-style: chr4-39276498-C-G.
Other names: c.3156C>G, p.Ser1052Arg (NM_001317924.2); short protein forms S1052R, S1212R.
Identifiers: ClinVar variation 1365705 (VCV001365705.8), dbSNP rs2109514971, ClinGen allele CA356649905.

ClinVar aggregate classification (germline): Uncertain significance (1 of 4 stars; one submission).

Conditions:
Asphyxiating thoracic dystrophy 5 (SRTD5). Also called: SHORT-RIB THORACIC DYSPLASIA 5 WITHOUT POLYDACTYLY; SHORT-RIB THORACIC DYSPLASIA 5 WITH OR WITHOUT POLYDACTYLY. Identifiers: Orphanet 474, MedGen C3280598, MONDO:0013717, OMIM 614376.
Senior-Loken syndrome 8 (SLSN8). Identifiers: Orphanet 3156, MedGen C4225376, MONDO:0014579, OMIM 616307.

Submission:

Labcorp Genetics (formerly Invitae), Labcorp
Classification: Uncertain significance for Senior-Loken syndrome 8; Asphyxiating thoracic dystrophy 5. Last evaluated: 2021-07-04. Review status: criteria provided, single submitter. Criteria: Invitae Variant Classification Sherloc (09022015). Collection method: clinical testing. Allele origin: germline.
Comment: This variant is not present in population databases (ExAC no frequency). This variant has not been reported in the literature in individuals affected with WDR19-related conditions. Algorithms developed to predict the effect of missense changes on protein structure and function output the following: SIFT: "Tolerated"; PolyPhen-2: "Benign"; Align-GVGD: "Class C0". The arginine amino acid residue is found in multiple mammalian species, which suggests that this missense change does not adversely affect protein function. Algorithms developed to predict the effect of sequence changes on RNA splicing suggest that this variant may create or strengthen a splice site. In summary, the available evidence is currently insufficient to determine the role of this variant in disease. Therefore, it has been classified as a Variant of Uncertain Significance. This sequence change replaces serine with arginine at codon 1212 of the WDR19 protein (p.Ser1212Arg). The serine residue is moderately conserved and there is a moderate physicochemical difference between serine and arginine.